The following is an entry in ClinVar:

NM_006073.4(TRDN):c.1598-6dup

Gene: TRDN (triadin; minus strand). Cytogenetic location: 6q22.31.
Variant type: Duplication.
Coding change: c.1598-6dup on transcript NM_006073.4 (MANE Select); 6 bases into the intron before coding-DNA position 1598, one base duplicated (T; older notation c.1598-6dupT).
Genome position (GRCh38, 1-based): chr6:123,273,366, A duplicated on the plus strand (T on the coding strand, the reverse complement: TRDN is on the minus strand); the first of 4 consecutive A bases (chr6:123,273,366-123,273,369); duplicating any one gives the same sequence. VCF-style (leftmost placement, unchanged base first): chr6-123273365-T-TA. GRCh37 (hg19) VCF-style: chr6-123594510-T-TA.
Other names: p.?; c.1598-3dup (NM_006073.4).
Identifiers: ClinVar variation 227114 (VCV000227114.26), dbSNP rs147062785, ClinGen allele CA3983837.
Genomic context (GRCh38, chr6:123,273,365, plus strand): 5'-GTCTAAGCATAAAAGATAAAATTAATACATACTGTGTATTTGCACTTTTTCAGATATAGC[T>TA]AAAATAAATAAATAACATATTAGATTAAATTACCTGCAAAATGGAGTATTTAACAATAAC-3'

ClinVar aggregate classification (germline): Benign/Likely benign. Review status: criteria provided, multiple submitters, no conflicts (2 of 4 stars). 9 submissions from 9 submitters: Benign (8); Likely benign (1). Last evaluated 2026-02-04.

Conditions:
Catecholaminergic polymorphic ventricular tachycardia 1. Also called: RYR2-Related Catecholaminergic Polymorphic Ventricular Tachycardia; VENTRICULAR TACHYCARDIA, STRESS-INDUCED POLYMORPHIC 1; VENTRICULAR TACHYCARDIA, CATECHOLAMINERGIC POLYMORPHIC, 1, WITH OR WITHOUT ATRIAL DYSFUNCTION AND/OR DILATED CARDIOMYOPATHY. Identifiers: Orphanet 3286, MedGen C1631597, MONDO:0011484, OMIM 604772.
Cardiovascular phenotype. Identifiers: MedGen CN230736.

Submissions (9):

Labcorp Genetics (formerly Invitae), Labcorp
Classification: Benign for Catecholaminergic polymorphic ventricular tachycardia 1. Last evaluated: 2026-02-04. Review status: criteria provided, single submitter. Criteria: Invitae Variant Classification Sherloc (09022015). Collection method: clinical testing. Allele origin: germline.

Blueprint Genetics
Classification: Benign. Last evaluated: 2024-11-26. Review status: criteria provided, single submitter. Criteria: ACMG Guidelines, 2015. Collection method: clinical testing. Allele origin: germline.

Women's Health and Genetics/Laboratory Corporation of America, LabCorp
Classification: Benign. Last evaluated: 2023-04-09. Review status: criteria provided, single submitter. Criteria: LabCorp Variant Classification Summary - May 2015. Collection method: clinical testing. Allele origin: germline.

Mayo Clinic Laboratories, Mayo Clinic
Classification: Benign. Last evaluated: 2022-04-26. Review status: criteria provided, single submitter. Criteria: ACMG Guidelines, 2015. Collection method: clinical testing. Allele origin: germline. Observed: 239 variant alleles.

GeneDx
Classification: Benign. Last evaluated: 2018-06-12. Review status: criteria provided, single submitter. Criteria: GeneDx Variant Classification Process June 2021. Collection method: clinical testing. Allele origin: germline. Affected: yes.

Ambry Genetics
Classification: Likely benign for Cardiovascular phenotype. Last evaluated: 2015-07-15. Review status: criteria provided, single submitter. Criteria: Ambry Variant Classification Scheme 2023. Collection method: clinical testing. Allele origin: germline.

Laboratory for Molecular Medicine, Mass General Brigham Personalized Medicine
Classification: Benign. Last evaluated: 2014-11-26. Review status: criteria provided, single submitter. Criteria: LMM Criteria. Collection method: clinical testing. Allele origin: germline. Observed: 186 variant alleles.
Comment: c.1598-3_1598-2insT in intron 27 of TRDN: This variant is not expected to have c linical significance because it has been identified in 16% (764/4822) of Europea n American chromosomes by the NHLBI Exome Sequencing Project (dbSNP rs147062785).

Molecular Diagnostic Laboratory for Inherited Cardiovascular Disease, Montreal Heart Institute
Classification: Benign. Review status: criteria provided, single submitter. Criteria: ACMG Guidelines, 2015. Collection method: clinical testing. Allele origin: germline. Affected: yes.

PreventionGenetics, part of Exact Sciences
Classification: Benign. Review status: criteria provided, single submitter. Criteria: ACMG Guidelines, 2015. Collection method: clinical testing. Allele origin: germline.